The following is an entry in ClinVar:

NM_003482.4(KMT2D):c.4030A>G (p.Ile1344Val)

Gene: KMT2D (lysine methyltransferase 2D; minus strand). Cytogenetic location: 12q13.12.
Variant type: single nucleotide variant.
Coding change: c.4030A>G on transcript NM_003482.4 (MANE Select); coding-DNA position 4030, A replaced by G.
Protein change: p.Ile1344Val; replaces isoleucine 1344 with valine.
Molecular consequence: missense variant.
Genome position (GRCh38, 1-based): chr12:49,048,760, T>C on the plus strand (A>G on the coding strand, the complement: KMT2D is on the minus strand). VCF-style: chr12-49048760-T-C. GRCh37 (hg19) VCF-style: chr12-49442543-T-C.
Other names: c.4030A>G (NM_003482.3); short protein forms I1344V.
Identifiers: ClinVar variation 134675 (VCV000134675.11), dbSNP rs574134747, ClinGen allele CA160515.

ClinVar aggregate classification (germline): Likely benign. Review status: criteria provided, single submitter (1 of 4 stars). 3 submissions from 3 submitters: Likely benign (1). 2 of the submissions do not count toward it. Last evaluated 2025-07-28.

Conditions:
KMT2D-related disorder. Also called: KMT2D-Related Disorders.
Kabuki syndrome. Also called: NIIKAWA-KUROKI SYNDROME; Kabuki make-up syndrome. Identifiers: Orphanet 2322, MedGen C0796004, MONDO:0016512.

Allele frequency attached by ClinVar (database versions not stated): gnomAD below 0.00001 and 0.00003; TOPMed 0.00002; gnomAD exomes 0.00006 and 0.00019; 1000 Genomes Project 0.00020; ExAC 0.00021; 1000 Genomes Project 30x 0.00031.
gnomAD v4.1: 92 of 1,602,116 alleles (0.0057%); highest among the groups gnomAD compares: South Asian, 0.087%; no homozygotes.

Submissions (3):

Labcorp Genetics (formerly Invitae), Labcorp
Classification: Likely benign for Kabuki syndrome. Last evaluated: 2025-07-28. Review status: criteria provided, single submitter. Criteria: Invitae Variant Classification Sherloc (09022015). Collection method: clinical testing. Allele origin: germline.

PreventionGenetics, part of Exact Sciences
Classification: Likely benign for KMT2D-related condition. Last evaluated: 2022-11-11. Review status: no assertion criteria provided. Collection method: clinical testing. Allele origin: germline. Not counted in ClinVar's aggregate classification.
Comment: This variant is classified as likely benign based on ACMG/AMP sequence variant interpretation guidelines (Richards et al. 2015 PMID: 25741868, with internal and published modifications).

ITMI
No classification provided. Condition: AllHighlyPenetrant. Last evaluated: 2013-09-19. Review status: no classification provided. Collection method: reference population. Allele origin: germline. Not counted in ClinVar's aggregate classification.
Comment: Please see associated publication for description of ethnicities

Literature cited by the submitters: PubMed 24728327 (cited by ITMI).